The following is an entry in ClinVar:

NM_005188.4(CBL):c.2394C>T (p.Ser798=)

Gene: CBL (Cbl proto-oncogene; plus strand). Cytogenetic location: 11q23.3.
Variant type: single nucleotide variant.
Coding change: c.2394C>T on transcript NM_005188.4 (MANE Select); coding-DNA position 2394, C replaced by T.
Protein change: p.Ser798=; no amino-acid change (serine 798 retained).
Molecular consequence: synonymous variant.
Genome position (GRCh38, 1-based): chr11:119,298,500, C>T. VCF-style: chr11-119298500-C-T. GRCh37 (hg19) VCF-style: chr11-119169210-C-T.
Identifiers: ClinVar variation 702916 (VCV000702916.14), dbSNP rs773256658, ClinGen allele CA6318769.

ClinVar aggregate classification (germline): Likely benign. Review status: criteria provided, multiple submitters, no conflicts (2 of 4 stars). 3 submissions from 3 submitters: Likely benign (2). 1 of the submissions does not count toward it. Last evaluated 2026-01-04.

Conditions:
CBL-related disorder. Also called: CBL MUTATION-ASSOCIATED SYNDROME; CBL SYNDROME; NOONAN SYNDROME-LIKE DISORDER WITHOUT JUVENILE MYELOMONOCYTIC LEUKEMIA. Identifiers: Orphanet 363972, MedGen C3150803, MONDO:0013308, OMIM 613563.
Cardiovascular phenotype. Identifiers: MedGen CN230736.
RASopathy. Also called: rasopathies; Noonan spectrum disorder. Identifiers: Orphanet 536391, MedGen C5555857, MONDO:0021060.

Allele frequency attached by ClinVar (database versions not stated): gnomAD below 0.00001 and 0.00001; TOPMed below 0.00001; gnomAD exomes 0.00001 and 0.00006; ExAC 0.00007.
gnomAD v4.1: 22 of 1,614,062 alleles (0.0014%); highest among the groups gnomAD compares: South Asian, 0.022%; no homozygotes.

Submissions (3):

Labcorp Genetics (formerly Invitae), Labcorp
Classification: Likely benign for RASopathy. Last evaluated: 2026-01-04. Review status: criteria provided, single submitter. Criteria: Invitae Variant Classification Sherloc (09022015). Collection method: clinical testing. Allele origin: germline.

Ambry Genetics
Classification: Likely benign for Cardiovascular phenotype. Last evaluated: 2020-07-07. Review status: criteria provided, single submitter. Criteria: Ambry Variant Classification Scheme 2023. Collection method: clinical testing. Allele origin: germline.

PreventionGenetics, part of Exact Sciences
Classification: Likely benign for CBL-related condition. Last evaluated: 2019-04-10. Review status: no assertion criteria provided. Collection method: clinical testing. Allele origin: germline. Not counted in ClinVar's aggregate classification.
Comment: This variant is classified as likely benign based on ACMG/AMP sequence variant interpretation guidelines (Richards et al. 2015 PMID: 25741868, with internal and published modifications).